The following is an entry in ClinVar:

NM_001257180.2(SLC20A2):c.923G>A (p.Arg308Gln)

Gene: SLC20A2 (solute carrier family 20 member 2; minus strand). Cytogenetic location: 8p11.21.
Variant type: single nucleotide variant.
Coding change: c.923G>A on transcript NM_001257180.2 (MANE Select); coding-DNA position 923, G replaced by A.
Protein change: p.Arg308Gln; replaces arginine 308 with glutamine.
Molecular consequence: missense variant.
Genome position (GRCh38, 1-based): chr8:42,439,461, C>T on the plus strand (G>A on the coding strand, the complement: SLC20A2 is on the minus strand). VCF-style: chr8-42439461-C-T. GRCh37 (hg19) VCF-style: chr8-42296979-C-T.
Other names: c.923G>A, p.Arg308Gln (NM_001257181.2, NM_006749.5); short protein forms R308Q.
Identifiers: ClinVar variation 3163312 (VCV003163312.2), dbSNP rs991432699, ClinGen allele CA371080322.

ClinVar aggregate classification (germline): Uncertain significance. Review status: criteria provided, multiple submitters, no conflicts (2 of 4 stars). 2 submissions from 2 submitters: Uncertain significance (2). Last evaluated 2025-07-08.

Conditions:
Inborn genetic diseases. Identifiers: MedGen C0950123, MeSH D030342.

Allele frequency attached by ClinVar (database versions not stated): TOPMed 0.00001; gnomAD 0.00002; gnomAD exomes 0.00002.
gnomAD v4.1: 31 of 1,613,314 alleles (0.0019%); highest among the groups gnomAD compares: Non-Finnish European, 0.0025%; no homozygotes.

Submissions (2):

Labcorp Genetics (formerly Invitae), Labcorp
Classification: Uncertain significance. Last evaluated: 2025-07-08. Review status: criteria provided, single submitter. Criteria: Invitae Variant Classification Sherloc (09022015). Collection method: clinical testing. Allele origin: germline.
Comment: This sequence change replaces arginine, which is basic and polar, with glutamine, which is neutral and polar, at codon 308 of the SLC20A2 protein (p.Arg308Gln). This variant is present in population databases (no rsID available, gnomAD 0.002%). This variant has not been reported in the literature in individuals affected with SLC20A2-related conditions. ClinVar contains an entry for this variant (Variation ID: 3163312). Invitae Evidence Modeling of protein sequence and biophysical properties (such as structural, functional, and spatial information, amino acid conservation, physicochemical variation, residue mobility, and thermodynamic stability) indicates that this missense variant is not expected to disrupt SLC20A2 protein function with a negative predictive value of 95%. In summary, the available evidence is currently insufficient to determine the role of this variant in disease. Therefore, it has been classified as a Variant of Uncertain Significance.

Ambry Genetics
Classification: Uncertain significance for Inborn genetic diseases. Last evaluated: 2024-03-01. Review status: criteria provided, single submitter. Criteria: Ambry Variant Classification Scheme 2023. Collection method: clinical testing. Allele origin: germline.